The following is an entry in ClinVar:

NM_001077653.2(TBX20):c.1259G>A (p.Arg420Gln)

Gene: TBX20 (T-box transcription factor 20; minus strand). Cytogenetic location: 7p14.2.
Variant type: single nucleotide variant.
Coding change: c.1259G>A on transcript NM_001077653.2 (MANE Select); coding-DNA position 1259, G replaced by A.
Protein change: p.Arg420Gln; replaces arginine 420 with glutamine.
Molecular consequence: missense variant.
Genome position (GRCh38, 1-based): chr7:35,202,515, C>T on the plus strand (G>A on the coding strand, the complement: TBX20 is on the minus strand). VCF-style: chr7-35202515-C-T. GRCh37 (hg19) VCF-style: chr7-35242127-C-T.
Other names: short protein forms R420Q.
Identifiers: ClinVar variation 2074104 (VCV002074104.5), dbSNP rs745523991, ClinGen allele CA4217325.
Genomic context (GRCh38, chr7:35,202,515, plus strand): 5'-GAGGAATGGCGTAGTCCTTGAATGGCAGCATAGGGCCCCTGCTGAAAATAGTGATGGTAT[C>T]GCGGCATGTGGAATGAAGGGAATGTGGGGCCACTCCCTTGCATGGAGCTGGCAATGGCCG-3'
Protein context (NP_001071121.1, residues 410-430): GPTFPSFHMP[Arg420Gln]YHHYFQQGPY

ClinVar aggregate classification (germline): Uncertain significance. Review status: criteria provided, multiple submitters, no conflicts (2 of 4 stars). 2 submissions from 2 submitters: Uncertain significance (2). Last evaluated 2025-08-15.

Conditions:
Cardiovascular phenotype. Identifiers: MedGen CN230736.

Allele frequency attached by ClinVar (database versions not stated): ExAC 0.00001; gnomAD exomes 0.00002; TOPMed 0.00003; gnomAD 0.00004.
gnomAD v4.1: 45 of 1,610,710 alleles (0.0028%); highest among the groups gnomAD compares: Non-Finnish European, 0.0031%; no homozygotes.

Submissions (2):

Labcorp Genetics (formerly Invitae), Labcorp
Classification: Uncertain significance. Last evaluated: 2025-08-15. Review status: criteria provided, single submitter. Criteria: Invitae Variant Classification Sherloc (09022015). Collection method: clinical testing. Allele origin: germline.
Comment: This sequence change replaces arginine, which is basic and polar, with glutamine, which is neutral and polar, at codon 420 of the TBX20 protein (p.Arg420Gln). This variant is present in population databases (rs745523991, gnomAD 0.004%). This variant has not been reported in the literature in individuals affected with TBX20-related conditions. ClinVar contains an entry for this variant (Variation ID: 2074104). An algorithm developed to predict the effect of missense changes on protein structure and function (PolyPhen-2) suggests that this variant is likely to be disruptive. In summary, the available evidence is currently insufficient to determine the role of this variant in disease. Therefore, it has been classified as a Variant of Uncertain Significance.

Ambry Genetics
Classification: Uncertain significance for Cardiovascular phenotype. Last evaluated: 2023-10-04. Review status: criteria provided, single submitter. Criteria: Ambry Variant Classification Scheme 2023. Collection method: clinical testing. Allele origin: germline.
Comment: The p.R420Q variant (also known as c.1259G>A), located in coding exon 8 of the TBX20 gene, results from a G to A substitution at nucleotide position 1259. The arginine at codon 420 is replaced by glutamine, an amino acid with highly similar properties. This amino acid position is highly conserved in available vertebrate species. In addition, the in silico prediction for this alteration is inconclusive. Since supporting evidence is limited at this time, the clinical significance of this alteration remains unclear.